The following is an entry in ClinVar:

NM_006231.4(POLE):c.4838T>C (p.Val1613Ala)

Gene: POLE (DNA polymerase epsilon, catalytic subunit; minus strand). Cytogenetic location: 12q24.33.
Variant type: single nucleotide variant.
Coding change: c.4838T>C on transcript NM_006231.4 (MANE Select); coding-DNA position 4838, T replaced by C.
Protein change: p.Val1613Ala; replaces valine 1613 with alanine.
Molecular consequence: missense variant.
Genome position (GRCh38, 1-based): chr12:132,642,620, A>G on the plus strand (T>C on the coding strand, the complement: POLE is on the minus strand). VCF-style: chr12-132642620-A-G. GRCh37 (hg19) VCF-style: chr12-133219206-A-G.
Other names: short protein forms V1613A.
Identifiers: ClinVar variation 3225467 (VCV003225467.2), dbSNP rs780132291, ClinGen allele CA246303699.

ClinVar aggregate classification (germline): Uncertain significance. Review status: criteria provided, multiple submitters, no conflicts (2 of 4 stars). 2 submissions from 2 submitters: Uncertain significance (2). Last evaluated 2025-09-18.

Conditions:
Hereditary cancer-predisposing syndrome. Also called: Neoplastic Syndromes, Hereditary; Tumor predisposition; Hereditary neoplastic syndrome; Hereditary Cancer Syndrome. Identifiers: Orphanet 140162, MedGen C0027672, MeSH D009386, MONDO:0015356.

Allele frequency attached by ClinVar (database versions not stated): gnomAD exomes below 0.00001.
gnomAD v4.1: 4 of 1,613,528 alleles (0.00025%); highest among the groups gnomAD compares: Non-Finnish European, 0.00034%; no homozygotes.

Submissions (2):

Labcorp Genetics (formerly Invitae), Labcorp
Classification: Uncertain significance. Last evaluated: 2025-09-18. Review status: criteria provided, single submitter. Criteria: Invitae Variant Classification Sherloc (09022015). Collection method: clinical testing. Allele origin: germline.
Comment: This sequence change replaces valine, which is neutral and non-polar, with alanine, which is neutral and non-polar, at codon 1613 of the POLE protein (p.Val1613Ala). This variant is not present in population databases (gnomAD no frequency). This variant has not been reported in the literature in individuals affected with POLE-related conditions. ClinVar contains an entry for this variant (Variation ID: 3225467). Invitae Evidence Modeling of protein sequence and biophysical properties (such as structural, functional, and spatial information, amino acid conservation, physicochemical variation, residue mobility, and thermodynamic stability) indicates that this missense variant is not expected to disrupt POLE protein function with a negative predictive value of 80%. In summary, the available evidence is currently insufficient to determine the role of this variant in disease. Therefore, it has been classified as a Variant of Uncertain Significance.

Ambry Genetics
Classification: Uncertain significance for Hereditary cancer-predisposing syndrome. Last evaluated: 2024-03-02. Review status: criteria provided, single submitter. Criteria: Ambry Variant Classification Scheme 2023. Collection method: clinical testing. Allele origin: germline.
Comment: The p.V1613A variant (also known as c.4838T>C), located in coding exon 37 of the POLE gene, results from a T to C substitution at nucleotide position 4838. The valine at codon 1613 is replaced by alanine, an amino acid with similar properties. This amino acid position is conserved. In addition, this alteration is predicted to be tolerated by in silico analysis. Based on the available evidence, the clinical significance of this alteration remains unclear.